The following is an entry in ClinVar:

NM_172364.5(CACNA2D4):c.2470+2T>C

Gene: CACNA2D4 (calcium voltage-gated channel auxiliary subunit alpha2delta 4; minus strand). Cytogenetic location: 12p13.33.
Variant type: single nucleotide variant.
Coding change: c.2470+2T>C on transcript NM_172364.5 (MANE Select); the canonical splice donor site of the intron after coding-DNA position 2470, T replaced by C.
Molecular consequence: splice donor variant.
Genome position (GRCh38, 1-based): chr12:1,844,400, A>G on the plus strand (T>C on the coding strand, the complement: CACNA2D4 is on the minus strand). VCF-style: chr12-1844400-A-G. GRCh37 (hg19) VCF-style: chr12-1953566-A-G.
Identifiers: ClinVar variation 1512265 (VCV001512265.7), dbSNP rs754314973, ClinGen allele CA6386696.

ClinVar aggregate classification (germline): Conflicting classifications of pathogenicity. Review status: criteria provided, conflicting classifications (1 of 4 stars). 2 submissions from 2 submitters: Likely pathogenic (1); Uncertain significance (1). Last evaluated 2022-10-17.

Conditions:
CACNA2D4-related disorder. Also called: CACNA2D4-related condition.

Allele frequency attached by ClinVar (database versions not stated): ExAC 0.00001; gnomAD 0.00001; gnomAD exomes 0.00001; TOPMed 0.00001.
gnomAD v4.1: 21 of 1,613,196 alleles (0.0013%); highest among the groups gnomAD compares: Admixed American, 0.0017%; no homozygotes.

Submissions (2):

Labcorp Genetics (formerly Invitae), Labcorp
Classification: Uncertain significance. Last evaluated: 2022-10-17. Review status: criteria provided, single submitter. Criteria: Invitae Variant Classification Sherloc (09022015). Collection method: clinical testing. Allele origin: germline.
Comment: In summary, the available evidence is currently insufficient to determine the role of this variant in disease. Therefore, it has been classified as a Variant of Uncertain Significance. Algorithms developed to predict the effect of sequence changes on RNA splicing suggest that this variant may disrupt the consensus splice site. ClinVar contains an entry for this variant (Variation ID: 1512265). This variant has not been reported in the literature in individuals affected with CACNA2D4-related conditions. This variant is present in population databases (rs754314973, gnomAD 0.002%). This sequence change affects a donor splice site in intron 25 of the CACNA2D4 gene. It is expected to disrupt RNA splicing. Variants that disrupt the donor or acceptor splice site typically lead to a loss of protein function (PMID: 16199547), however the current clinical and genetic evidence is not sufficient to establish whether loss-of-function variants in CACNA2D4 cause disease.

Blueprint Genetics
Classification: Likely pathogenic for CACNA2D4-related disorders. Last evaluated: 2022-01-03. Review status: criteria provided, single submitter. Criteria: ACMG Guidelines, 2015. Collection method: clinical testing. Allele origin: germline. Affected: yes. Observed: 3 variant alleles.

Literature cited by the submitters: PubMed 16199547 (cited by Labcorp Genetics (formerly Invitae), Labcorp).